The following is an entry in ClinVar:

NM_138694.4(PKHD1):c.8494G>T (p.Ala2832Ser)

Gene: PKHD1 (PKHD1 ciliary IPT domain containing fibrocystin/polyductin; minus strand). Cytogenetic location: 6p12.3.
Variant type: single nucleotide variant.
Coding change: c.8494G>T on transcript NM_138694.4 (MANE Select); coding-DNA position 8494, G replaced by T.
Protein change: p.Ala2832Ser; replaces alanine 2832 with serine.
Molecular consequence: missense variant.
Genome position (GRCh38, 1-based): chr6:51,775,868, C>A on the plus strand (G>T on the coding strand, the complement: PKHD1 is on the minus strand). VCF-style: chr6-51775868-C-A. GRCh37 (hg19) VCF-style: chr6-51640666-C-A.
Other names: c.8494G>T, p.Ala2832Ser (NM_170724.3); short protein forms A2832S.
Identifiers: ClinVar variation 357424 (VCV000357424.8), dbSNP rs779751632, ClinGen allele CA3851612.

ClinVar aggregate classification (germline): Uncertain significance. Review status: criteria provided, multiple submitters, no conflicts (2 of 4 stars). 4 submissions from 4 submitters: Uncertain significance (4). Last evaluated 2026-04-02.

Conditions:
PKHD1-related disorder. Also called: PKHD1-related condition.
Autosomal recessive polycystic kidney disease (ARPKD). Also called: AR polycystic kidney disease. Identifiers: Orphanet 731, Orphanet 8378, MedGen C0085548, MeSH D017044, MONDO:0009889.
Inborn genetic diseases. Identifiers: MedGen C0950123, MeSH D030342.

Allele frequency attached by ClinVar (database versions not stated): TOPMed 0.00002; ExAC 0.00003; gnomAD 0.00004; gnomAD exomes 0.00004.
gnomAD v4.1: 94 of 1,602,406 alleles (0.0059%); highest among the groups gnomAD compares: Non-Finnish European, 0.0078%; no homozygotes.

Submissions (4):

PreventionGenetics, part of Exact Sciences
Classification: Uncertain significance for PKHD1-related condition. Last evaluated: 2026-04-02. Review status: criteria provided, single submitter. Criteria: ACMG Guidelines, 2015. Collection method: clinical testing. Allele origin: germline.
Comment: The PKHD1 c.8494G>T variant is predicted to result in the amino acid substitution p.Ala2832Ser. To our knowledge, this variant has not been reported in the literature. This variant is reported in 0.0080% of alleles in individuals of European (Non-Finnish) descent in gnomAD. At this time, the clinical significance of this variant is uncertain due to the absence of conclusive functional and genetic evidence.

Blueprint Genetics
Classification: Uncertain significance. Last evaluated: 2024-05-30. Review status: criteria provided, single submitter. Criteria: ACMG Guidelines, 2015. Collection method: clinical testing. Allele origin: germline.

Ambry Genetics
Classification: Uncertain significance for Inborn genetic diseases. Last evaluated: 2022-09-22. Review status: criteria provided, single submitter. Criteria: Ambry Variant Classification Scheme 2023. Collection method: clinical testing. Allele origin: germline.

Illumina Laboratory Services, Illumina
Classification: Uncertain significance for Polycystic kidney disease 4. Last evaluated: 2018-01-13. Review status: criteria provided, single submitter. Criteria: ICSL Variant Classification Criteria 13 December 2019. Collection method: clinical testing. Allele origin: germline.